The following is an entry in ClinVar:

NM_021930.6(RINT1):c.449G>C (p.Ser150Thr)

Gene: RINT1 (RAD50 interactor 1; plus strand). Cytogenetic location: 7q22.3.
Variant type: single nucleotide variant.
Coding change: c.449G>C on transcript NM_021930.6 (MANE Select); coding-DNA position 449, G replaced by C.
Protein change: p.Ser150Thr; replaces serine 150 with threonine.
Molecular consequence: missense variant. On other transcripts: 5 prime UTR variant (3), non-coding transcript variant (1).
Genome position (GRCh38, 1-based): chr7:105,542,583, G>C. VCF-style: chr7-105542583-G-C. GRCh37 (hg19) VCF-style: chr7-105183030-G-C.
Other names: c.215G>C, p.Ser72Thr (NM_001346599.2); c.-571G>C (NM_001346600.2); c.-474G>C (NM_001346601.2); c.-94G>C (NM_001346603.2); short protein forms S150T, S72T.
Identifiers: ClinVar variation 3314405 (VCV003314405.1).
Genomic context (GRCh38, chr7:105,542,583, plus strand): 5'-CCATTAACAGCCATTTGCTGACTGCGCAACCTTGGATGGACGATCTTGGAACCATGATTA[G>C]CCAGATTGAAGAGATCGAACGTCATCTTGCTTACCTTAAATGGATTTCACAAATTGAAGA-3'
Protein context (NP_068749.3, residues 140-160): PWMDDLGTMI[Ser150Thr]QIEEIERHLA

ClinVar aggregate classification (germline): Uncertain significance (1 of 4 stars; one submission).

Submission:

Ambry Genetics
Classification: Uncertain significance. Last evaluated: 2024-05-01. Review status: criteria provided, single submitter. Criteria: Ambry Variant Classification Scheme 2023. Collection method: clinical testing. Allele origin: germline.
Comment: The p.S150T variant (also known as c.449G>C), located in coding exon 4 of the RINT1 gene, results from a G to C substitution at nucleotide position 449. The serine at codon 150 is replaced by threonine, an amino acid with similar properties. This amino acid position is conserved. In addition, this alteration is predicted to be tolerated by in silico analysis. Based on the available evidence, the clinical significance of this variant remains unclear.